The following is an entry in ClinVar:

NM_001253697.2(ERBIN):c.2642T>C (p.Leu881Pro)

Gene: ERBIN (erbb2 interacting protein; plus strand). Cytogenetic location: 5q12.3.
Variant type: single nucleotide variant.
Coding change: c.2642T>C on transcript NM_001253697.2 (MANE Select); coding-DNA position 2642, T replaced by C.
Protein change: p.Leu881Pro; replaces leucine 881 with proline.
Molecular consequence: missense variant.
Genome position (GRCh38, 1-based): chr5:66,053,960, T>C. VCF-style: chr5-66053960-T-C. GRCh37 (hg19) VCF-style: chr5-65349788-T-C.
Other names: c.2642T>C, p.Leu881Pro (NM_001006600.3, NM_001253698.2, NM_001253699.2 and 1 more transcripts); c.2630T>C, p.Leu877Pro (NM_001253701.2); short protein forms L877P, L881P.
Identifiers: ClinVar variation 2766473 (VCV002766473.3), dbSNP rs2546812513, ClinGen allele CA359867315.

ClinVar aggregate classification (germline): Uncertain significance (1 of 4 stars; one submission).

Submission:

Labcorp Genetics (formerly Invitae), Labcorp
Classification: Uncertain significance. Last evaluated: 2023-10-06. Review status: criteria provided, single submitter. Criteria: Invitae Variant Classification Sherloc (09022015). Collection method: clinical testing. Allele origin: germline.
Comment: This sequence change replaces leucine, which is neutral and non-polar, with proline, which is neutral and non-polar, at codon 881 of the ERBIN protein (p.Leu881Pro). This variant is not present in population databases (gnomAD no frequency). This variant has not been reported in the literature in individuals affected with ERBIN-related conditions. An algorithm developed to predict the effect of missense changes on protein structure and function (PolyPhen-2) suggests that this variant is likely to be tolerated. In summary, the available evidence is currently insufficient to determine the role of this variant in disease. Therefore, it has been classified as a Variant of Uncertain Significance.